The following is an entry in ClinVar:

ClinVar aggregate classification (germline): Pathogenic/Likely pathogenic. Review status: criteria provided, multiple submitters, no conflicts (2 of 4 stars). 2 submissions from 2 submitters: Pathogenic (1); Likely pathogenic (1). Last evaluated 2022-03-04.

Conditions:
PDE6A-related disorder. Also called: PDE6A-related condition.

Submissions (2):

Labcorp Genetics (formerly Invitae), Labcorp
Classification: Pathogenic. Last evaluated: 2022-03-04. Review status: criteria provided, single submitter. Criteria: Invitae Variant Classification Sherloc (09022015). Collection method: clinical testing. Allele origin: germline.
Comment: This variant is present in population databases (no rsID available, gnomAD 0.0009%). For these reasons, this variant has been classified as Pathogenic. ClinVar contains an entry for this variant (Variation ID: 844371). This variant has not been reported in the literature in individuals affected with PDE6A-related conditions. This sequence change creates a premature translational stop signal (p.Leu96Cysfs*31) in the PDE6A gene. It is expected to result in an absent or disrupted protein product. Loss-of-function variants in PDE6A are known to be pathogenic (PMID: 7493036, 22128245, 23847139).

Blueprint Genetics
Classification: Likely pathogenic for PDE6A-related disorders. Last evaluated: 2019-08-19. Review status: criteria provided, single submitter. Criteria: ACMG Guidelines, 2015. Collection method: clinical testing. Allele origin: germline. Affected: yes. Observed: 1 variant allele.

Literature cited by the submitters: PubMed 7493036 (cited by Labcorp Genetics (formerly Invitae), Labcorp); PubMed 22128245 (cited by Labcorp Genetics (formerly Invitae), Labcorp); PubMed 23847139 (cited by Labcorp Genetics (formerly Invitae), Labcorp).

NM_000440.3(PDE6A):c.286del (p.Leu96fs)

Gene: PDE6A (phosphodiesterase 6A; minus strand). Cytogenetic location: 5q32.
Variant type: Deletion.
Coding change: c.286del on transcript NM_000440.3 (MANE Select); coding-DNA position 286, one base deleted (C; older notation c.286delC).
Protein change: p.Leu96fs; shifts the reading frame from leucine 96.
Molecular consequence: frameshift variant.
Genome position (GRCh38, 1-based): chr5:149,944,388, G deleted on the plus strand (C on the coding strand, the reverse complement: PDE6A is on the minus strand); the first of 2 consecutive G bases (chr5:149,944,388-149,944,389); deleting either gives the same sequence. VCF-style (leftmost placement, unchanged base first): chr5-149944387-AG-A. GRCh37 (hg19) VCF-style: chr5-149323950-AG-A.
Other names: short protein forms L96fs.
Identifiers: ClinVar variation 844371 (VCV000844371.8), dbSNP rs1270005492, ClinGen allele CA563955659.